The following is an entry in ClinVar:

NM_000138.5(FBN1):c.3590-2A>G

Gene: FBN1 (fibrillin 1; minus strand). Cytogenetic location: 15q21.1.
Variant type: single nucleotide variant.
Coding change: c.3590-2A>G on transcript NM_000138.5 (MANE Select); the canonical splice acceptor site of the intron before coding-DNA position 3590, A replaced by G.
Molecular consequence: splice acceptor variant.
Genome position (GRCh38, 1-based): chr15:48,485,498, T>C on the plus strand (A>G on the coding strand, the complement: FBN1 is on the minus strand). VCF-style: chr15-48485498-T-C. GRCh37 (hg19) VCF-style: chr15-48777695-T-C.
Other names: c.3590-2A>G (NM_001406716.1).
Identifiers: ClinVar variation 859510 (VCV000859510.9), dbSNP rs2043498977, ClinGen allele CA392324758.

ClinVar aggregate classification (germline): Likely pathogenic (1 of 4 stars; one submission).

Conditions:
Familial thoracic aortic aneurysm and aortic dissection (TAAD). Also called: Thoracic aortic aneurysms and dissections. Identifiers: Orphanet 91387, MedGen C4707243, MONDO:0019625.
Marfan syndrome (MFS). Also called: FBN1-Related Marfan Syndrome; Marfan's syndrome; MARFAN SYNDROME, TYPE I; Marfan syndrome type 1; Marfan syndrome, classic. Identifiers: Orphanet 284963, Orphanet 558, MedGen C0024796, MONDO:0007947, OMIM 154700.

Submission:

Labcorp Genetics (formerly Invitae), Labcorp
Classification: Likely pathogenic for Marfan syndrome; Familial thoracic aortic aneurysm and aortic dissection. Last evaluated: 2020-02-27. Review status: criteria provided, single submitter. Criteria: Invitae Variant Classification Sherloc (09022015). Collection method: clinical testing. Allele origin: germline.
Comment: In summary, the currently available evidence indicates that the variant is pathogenic, but additional data are needed to prove that conclusively. Therefore, this variant has been classified as Likely Pathogenic. Donor and acceptor splice site variants typically lead to a loss of protein function (PMID: 16199547), and loss-of-function variants in FBN1 are known to be pathogenic (PMID: 17657824, 19293843). Algorithms developed to predict the effect of sequence changes on RNA splicing suggest that this variant may disrupt the consensus splice site, but this prediction has not been confirmed by published transcriptional studies. This variant has not been reported in the literature in individuals with FBN1-related conditions. This variant is not present in population databases (ExAC no frequency). This sequence change affects an acceptor splice site in intron 29 of the FBN1 gene. It is expected to disrupt RNA splicing and likely results in an absent or disrupted protein product.

Literature cited by the submitters: PubMed 16199547; PubMed 17657824; PubMed 19293843.